The following is an entry in ClinVar:

ClinVar aggregate classification (germline): Likely benign (1 of 4 stars; one submission).

Allele frequency attached by ClinVar (database versions not stated): TOPMed 0.00002; gnomAD 0.00003; gnomAD exomes 0.00005; ExAC 0.00006.
gnomAD v4.1: 74 of 1,613,982 alleles (0.0046%); highest among the groups gnomAD compares: African/African-American, 0.0093%; no homozygotes.

Submission:

CeGaT Center for Human Genetics Tuebingen
Classification: Likely benign. Last evaluated: 2022-11-01. Review status: criteria provided, single submitter. Criteria: CeGaT Center For Human Genetics Tuebingen Variant Classification Criteria Version 2. Collection method: clinical testing. Allele origin: germline. Affected: yes. Observed: 1 variant allele.
Comment: RPS6KB2: BP4

NM_003952.3(RPS6KB2):c.907-5C>T

Gene: RPS6KB2 (ribosomal protein S6 kinase B2; plus strand). Cytogenetic location: 11q13.2.
Variant type: single nucleotide variant.
Coding change: c.907-5C>T on transcript NM_003952.3 (MANE Select); 5 bases into the intron before coding-DNA position 907, C replaced by T.
Molecular consequence: intron variant.
Genome position (GRCh38, 1-based): chr11:67,433,990, C>T. VCF-style: chr11-67433990-C-T. GRCh37 (hg19) VCF-style: chr11-67201461-C-T.
Identifiers: ClinVar variation 2642018 (VCV002642018.24), dbSNP rs759728979, ClinGen allele CA6138566.